The following is an entry in ClinVar:

NM_000368.5(TSC1):c.1438+9T>C

Gene: TSC1 (TSC complex subunit 1; minus strand). Cytogenetic location: 9q34.13.
Variant type: single nucleotide variant.
Coding change: c.1438+9T>C on transcript NM_000368.5 (MANE Select); 9 bases into the intron after coding-DNA position 1438, T replaced by C.
Molecular consequence: intron variant.
Genome position (GRCh38, 1-based): chr9:132,906,722, A>G on the plus strand (T>C on the coding strand, the complement: TSC1 is on the minus strand). VCF-style: chr9-132906722-A-G. GRCh37 (hg19) VCF-style: chr9-135782109-A-G.
Other names: c.1072+9T>C (NM_001406620.1, NM_001406625.1, NM_001406621.1 and 2 more transcripts); c.1075+9T>C (NM_001406618.1, NM_001406617.1, NM_001406619.1 and 5 more transcripts); c.1282+9T>C (NM_001406613.1, NM_001406612.1, NM_001406611.1); c.1285+9T>C (NM_001406610.1, NM_001162427.2); c.484+9T>C (NM_001406627.1, NM_001406628.1); c.385+9T>C (NM_001406629.1, NM_001406630.1); c.1435+9T>C (NM_001406603.1, NM_001406609.1, NM_001406597.1 and 6 more transcripts); c.1438+9T>C (NM_001406602.1, NM_001406606.1, NM_001406592.1 and 7 more transcripts); and 1 more.
Identifiers: ClinVar variation 2892752 (VCV002892752.4), dbSNP rs545683093, ClinGen allele CA028682.

ClinVar aggregate classification (germline): Likely benign. Review status: criteria provided, multiple submitters, no conflicts (2 of 4 stars). 2 submissions from 2 submitters: Likely benign (2). Last evaluated 2025-04-09.

Conditions:
Tuberous sclerosis 1 (TSC1). Identifiers: Orphanet 805, MedGen C1854465, MONDO:0008612, OMIM 191100.

Allele frequency attached by ClinVar (database versions not stated): gnomAD exomes below 0.00001; gnomAD 0.00001; 1000 Genomes Project 30x 0.00016; 1000 Genomes Project 0.00020.
gnomAD v4.1: 4 of 1,610,430 alleles (0.00025%); highest among the groups gnomAD compares: African/African-American, 0.0027%; no homozygotes.

Submissions (2):

Myriad Genetics, Inc.
Classification: Likely benign for Tuberous sclerosis 1. Last evaluated: 2025-04-09. Review status: criteria provided, single submitter. Criteria: Myriad Autosomal Dominant, Autosomal Recessive and X-Linked Classification Criteria (2023). Collection method: clinical testing. Allele origin: unknown.
Comment: This variant is considered likely benign. This variant is intronic and is not expected to impact mRNA splicing.

Labcorp Genetics (formerly Invitae), Labcorp
Classification: Likely benign for Tuberous sclerosis 1. Last evaluated: 2024-03-02. Review status: criteria provided, single submitter. Criteria: Invitae Variant Classification Sherloc (09022015). Collection method: clinical testing. Allele origin: germline.